The following is an entry in ClinVar:

NM_001395656.1(ROBO2):c.*1959G>C

Gene: ROBO2 (roundabout guidance receptor 2; plus strand). Cytogenetic location: 3p12.3.
Variant type: single nucleotide variant.
Coding change: c.*1959G>C on transcript NM_001395656.1 (MANE Select); 1959 bases downstream of the stop codon, G replaced by C.
Molecular consequence: 3 prime UTR variant.
Genome position (GRCh38, 1-based): chr3:77,648,014, G>C. VCF-style: chr3-77648014-G-C. GRCh37 (hg19) VCF-style: chr3-77697165-G-C.
Other names: c.*1959G>C (NM_001128929.3, NM_001290039.2, NM_001290040.2 and 14 more transcripts); c.*1956G>C (NM_001378194.1, NM_001378196.1, NM_001378199.1 and 3 more transcripts).
Identifiers: ClinVar variation 346745 (VCV000346745.6), dbSNP rs183377310, ClinGen allele CA10616704.

ClinVar aggregate classification (germline): Benign (1 of 4 stars; one submission).

Conditions:
Vesicoureteral reflux 2 (VUR2). Identifiers: Orphanet 289365, MedGen C1970483, MONDO:0012573, OMIM 610878.

Allele frequency attached by ClinVar (database versions not stated): TOPMed 0.00084; 1000 Genomes Project 30x 0.00109; 1000 Genomes Project 0.00140.

Submission:

Illumina Laboratory Services, Illumina
Classification: Benign for Vesicoureteral reflux 2. Last evaluated: 2018-01-13. Review status: criteria provided, single submitter. Criteria: ICSL Variant Classification Criteria 13 December 2019. Collection method: clinical testing. Allele origin: germline.
Comment: This variant was observed in the ICSL laboratory as part of a predisposition screen in an ostensibly healthy population. It had not been previously curated by ICSL or reported in the Human Gene Mutation Database (HGMD: prior to June 1st, 2018), and was therefore a candidate for classification through an automated scoring system. Utilizing variant allele frequency, disease prevalence and penetrance estimates, and inheritance mode, an automated score was calculated to assess if this variant is too frequent to cause the disease. Based on the score and internal cut-off values, a variant classified as benign is not then subjected to further curation. The score for this variant resulted in a classification of benign for this disease.